The following is an entry in ClinVar:

NM_000051.4(ATM):c.1899-7C>A

Gene: ATM (ATM serine/threonine kinase; plus strand). Cytogenetic location: 11q22.3.
Variant type: single nucleotide variant.
Coding change: c.1899-7C>A on transcript NM_000051.4 (MANE Select); 7 bases into the intron before coding-DNA position 1899, C replaced by A.
Molecular consequence: intron variant.
Genome position (GRCh38, 1-based): chr11:108,253,807, C>A. VCF-style: chr11-108253807-C-A. GRCh37 (hg19) VCF-style: chr11-108124534-C-A.
Other names: c.1899-7C>A (NM_001351834.2).
Identifiers: ClinVar variation 407529 (VCV000407529.18), dbSNP rs1060501584, ClinGen allele CA16613018.

ClinVar aggregate classification (germline): Conflicting classifications of pathogenicity. Review status: criteria provided, conflicting classifications (1 of 4 stars). 3 submissions from 3 submitters: Uncertain significance (1); Likely benign (1). 1 of the submissions does not count toward it. Last evaluated 2025-10-22.

Conditions:
Hereditary cancer-predisposing syndrome. Also called: Hereditary neoplastic syndrome; Neoplastic Syndromes, Hereditary; Tumor predisposition; Hereditary Cancer Syndrome. Identifiers: Orphanet 140162, MedGen C0027672, MeSH D009386, MONDO:0015356.
Ataxia-telangiectasia syndrome (AT). Also called: Ataxia telangiectasia (A-T); LOUIS-BAR SYNDROME; Cerebello-oculocutaneous telangiectasia; Immunodeficiency with ataxia telangiectasia; Ataxia-telangiectasia, complementation group D; AT, COMPLEMENTATION GROUP C. Identifiers: Orphanet 100, MedGen C0004135, MONDO:0008840, OMIM 208900.

Allele frequency attached by ClinVar (database versions not stated): TOPMed 0.00001.
gnomAD v4.1: 1 of 1,607,976 alleles (0.000062%); highest among the groups gnomAD compares: East Asian, 0.0022%; no homozygotes.

Submissions (3):

Labcorp Genetics (formerly Invitae), Labcorp
Classification: Likely benign for Ataxia-telangiectasia syndrome. Last evaluated: 2025-10-22. Review status: criteria provided, single submitter. Criteria: Invitae Variant Classification Sherloc (09022015). Collection method: clinical testing. Allele origin: germline.

Color Diagnostics, LLC DBA Color Health
Classification: Uncertain significance for Hereditary cancer-predisposing syndrome. Last evaluated: 2019-09-10. Review status: criteria provided, single submitter. Criteria: ACMG Guidelines, 2015. Collection method: clinical testing. Allele origin: germline.
Comment: This variant causes a C>A nucleotide substitution at the -7 position of intron 12 of the ATM gene. Splice site prediction tools are inconclusive regarding the impact of this variant on RNA splicing. To our knowledge, functional studies have not been performed for this variant. This variant has not been reported in individuals affected with hereditary cancer in the literature. This variant has not been identified in the general population by the Genome Aggregation Database (gnomAD). The available evidence is insufficient to determine the role of this variant in disease conclusively. Therefore, this variant is classified as a Variant of Uncertain Significance.

Natera, Inc.
Classification: Uncertain significance for Ataxia-telangiectasia. Last evaluated: 2020-09-10. Review status: no assertion criteria provided. Collection method: clinical testing. Allele origin: germline. Not counted in ClinVar's aggregate classification.